The following is an entry in ClinVar:

ClinVar aggregate classification (germline): Uncertain significance (1 of 4 stars; one submission).

Submission:

GeneDx
Classification: Uncertain significance. Last evaluated: 2026-02-20. Review status: criteria provided, single submitter. Criteria: GeneDx Variant Classification Process June 2021. Collection method: clinical testing. Allele origin: germline.
Comment: Not observed at significant frequency in large population cohorts (gnomAD); In silico analysis supports that this missense variant has a deleterious effect on protein structure/function; Has not been previously published as pathogenic or benign to our knowledge

NM_032590.5(KDM2B):c.3403A>G (p.Asn1135Asp)

Gene: KDM2B (lysine demethylase 2B; minus strand). Cytogenetic location: 12q24.31.
Variant type: single nucleotide variant.
Coding change: c.3403A>G on transcript NM_032590.5 (MANE Select); coding-DNA position 3403, A replaced by G.
Protein change: p.Asn1135Asp; replaces asparagine 1135 with aspartic acid.
Molecular consequence: missense variant.
Genome position (GRCh38, 1-based): chr12:121,441,115, T>C on the plus strand (A>G on the coding strand, the complement: KDM2B is on the minus strand). VCF-style: chr12-121441115-T-C. GRCh37 (hg19) VCF-style: chr12-121878918-T-C.
Other names: c.3196A>G, p.Asn1066Asp (NM_001005366.2); c.3499A>G, p.Asn1167Asp (NM_001439014.1, NM_001439015.1); c.3481A>G, p.Asn1161Asp (NM_001439016.1); c.3403A>G, p.Asn1135Asp (NM_001439017.1, NM_001439018.1); c.3388A>G, p.Asn1130Asp (NM_001439020.1); c.3370A>G, p.Asn1124Asp (NM_001439021.1); c.3340A>G, p.Asn1114Asp (NM_001439022.1, NM_001439023.1); c.3310A>G, p.Asn1104Asp (NM_001439025.1, NM_001439026.1); and 3 more; short protein forms N1130D, N1135D, N1167D, N575D, N1114D, N1066D, N1076D, N1098D.
Identifiers: ClinVar variation 5009670 (VCV005009670.1).